The following is an entry in ClinVar:

ClinVar aggregate classification (germline): Uncertain significance (1 of 4 stars; one submission).

Allele frequency attached by ClinVar (database versions not stated): gnomAD exomes 0.00002; gnomAD 0.00004; TOPMed 0.00005.
gnomAD v4.1: 123 of 1,612,982 alleles (0.0076%); highest among the groups gnomAD compares: East Asian, 0.042%; no homozygotes.

Submission:

Labcorp Genetics (formerly Invitae), Labcorp
Classification: Uncertain significance. Last evaluated: 2022-08-22. Review status: criteria provided, single submitter. Criteria: Invitae Variant Classification Sherloc (09022015). Collection method: clinical testing. Allele origin: germline.
Comment: This sequence change replaces glutamic acid, which is acidic and polar, with lysine, which is basic and polar, at codon 1053 of the COL18A1 protein (p.Glu1053Lys). This variant is present in population databases (no rsID available, gnomAD 0.005%). This variant has not been reported in the literature in individuals affected with COL18A1-related conditions. ClinVar contains an entry for this variant (Variation ID: 1449890). In summary, the available evidence is currently insufficient to determine the role of this variant in disease. Therefore, it has been classified as a Variant of Uncertain Significance.

NM_001379500.1(COL18A1):c.3166G>A (p.Glu1056Lys)

Genes: COL18A1 (collagen type XVIII alpha 1 chain; plus strand), SLC19A1 (solute carrier family 19 member 1; minus strand). Cytogenetic location: 21q22.3.
Variant type: single nucleotide variant.
Coding change: c.3166G>A on transcript NM_001379500.1 (MANE Select); coding-DNA position 3166, G replaced by A.
Protein change: p.Glu1056Lys; replaces glutamic acid 1056 with lysine.
Molecular consequence: missense variant.
Genome position (GRCh38, 1-based): chr21:45,505,916, G>A. VCF-style: chr21-45505916-G-A. GRCh37 (hg19) VCF-style: chr21-46925830-G-A.
Other names: c.3697G>A, p.Glu1233Lys (NM_030582.4); c.4402G>A, p.Glu1468Lys (NM_130444.3); short protein forms E1056K, E1233K, E1468K.
Identifiers: ClinVar variation 1449890 (VCV001449890.3), dbSNP rs944314178, ClinGen allele CA321921833.